The following is an entry in ClinVar:

NM_000132.4(F8):c.1613A>G (p.Asp538Gly)

Gene: F8 (coagulation factor VIII; minus strand). Cytogenetic location: Xq28.
Variant type: single nucleotide variant.
Coding change: c.1613A>G on transcript NM_000132.4 (MANE Select); coding-DNA position 1613, A replaced by G.
Protein change: p.Asp538Gly; replaces aspartic acid 538 with glycine.
Molecular consequence: missense variant.
Genome position (GRCh38, 1-based): chrX:154,957,096, T>C on the plus strand (A>G on the coding strand, the complement: F8 is on the minus strand). VCF-style: chrX-154957096-T-C. GRCh37 (hg19) VCF-style: chrX-154185371-T-C.
Other names: p.Asp538Gly; short protein forms D538G.
Identifiers: ClinVar variation 4542523 (VCV004542523.1).
Genomic context (GRCh38, chrX:154,957,096, plus strand): 5'-ATATTAACGAAACTAGAGTAATAGCGGGTCAGGCACCGAGGATCTGATTTAGTTGGCCCA[T>C]CTTCTACAGTCACTGTCCATTTATATTTGAATATTTCTCCTGGCAGAATTGGAAAATCCT-3'
Protein context (NP_000123.1, residues 528-548): FKYKWTVTVE[Asp538Gly]GPTKSDPRCL

ClinVar aggregate classification (germline): Uncertain significance (1 of 4 stars; one submission).

Submission:

Mayo Clinic Laboratories, Mayo Clinic
Classification: Uncertain significance. Last evaluated: 2024-10-31. Review status: criteria provided, single submitter. Criteria: ACMG Guidelines, 2015. Collection method: clinical testing. Allele origin: germline. Observed: 1 variant allele.
Comment: PM1_supporting, PM2_supporting